The following is an entry in ClinVar:

ClinVar aggregate classification (germline): Uncertain significance (1 of 4 stars; one submission).

Conditions:
PMM2-congenital disorder of glycosylation. Also called: JAEKEN SYNDROME; PHOSPHOMANNOMUTASE 2 DEFICIENCY; CARBOHYDRATE-DEFICIENT GLYCOPROTEIN SYNDROME, TYPE Ia; PMM2-CDG; Congenital disorder of glycosylation, type Ia; CDG Ia. Identifiers: Orphanet 79318, MedGen C0349653, MONDO:0008907, OMIM 212065.

Submission:

Juno Genomics, Hangzhou Juno Genomics, Inc
Classification: Uncertain significance for PMM2-congenital disorder of glycosylation. Review status: criteria provided, single submitter. Criteria: ACMG Guidelines, 2015. Collection method: clinical testing. Allele origin: germline. Affected: yes.
Comment: Absent from controls (or at extremely low frequency if recessive) in Genome Aggregation Database, Exome Sequencing Project, 1000 Genomes Project, or Exome Aggregation Consortium.;Multiple lines of computational evidence support a deleterious effect on the gene or gene product (conservation, evolutionary, splicing impact, etc).

NM_000303.3(PMM2):c.537C>G (p.Ser179Arg)

Gene: PMM2 (phosphomannomutase 2; plus strand). Cytogenetic location: 16p13.2.
Variant type: single nucleotide variant.
Coding change: c.537C>G on transcript NM_000303.3 (MANE Select); coding-DNA position 537, C replaced by G.
Protein change: p.Ser179Arg; replaces serine 179 with arginine.
Molecular consequence: missense variant.
Genome position (GRCh38, 1-based): chr16:8,813,004, C>G. VCF-style: chr16-8813004-C-G. GRCh37 (hg19) VCF-style: chr16-8906861-C-G.
Other names: short protein forms S179R.
Identifiers: ClinVar variation 4796521 (VCV004796521.1).
Genomic context (GRCh38, chr16:8,813,004, plus strand): 5'-CCCCTTTTTCACCTTTTGCCTTTGTGTGCCCCGTCCCCACCCGGCAGGAGGCCAGATCAG[C>G]TTTGATGTCTTTCCTGATGGATGGGACAAGAGATACTGTCTGCGACATGTGGAAAATGAC-3'
Protein context (NP_000294.1, residues 169-189): GLTFSIGGQI[Ser179Arg]FDVFPDGWDK